The following is an entry in ClinVar:

ClinVar aggregate classification (germline): Uncertain significance (1 of 4 stars; one submission).

Allele frequency attached by ClinVar (database versions not stated): TOPMed 0.00001; ExAC 0.00002; gnomAD 0.00002.
gnomAD v4.1: 30 of 1,613,928 alleles (0.0019%); highest among the groups gnomAD compares: Middle Eastern, 0.016%; no homozygotes.

Submission:

Labcorp Genetics (formerly Invitae), Labcorp
Classification: Uncertain significance. Last evaluated: 2024-06-17. Review status: criteria provided, single submitter. Criteria: Invitae Variant Classification Sherloc (09022015). Collection method: clinical testing. Allele origin: germline.
Comment: This sequence change replaces valine, which is neutral and non-polar, with isoleucine, which is neutral and non-polar, at codon 364 of the PAFAH1B1 protein (p.Val364Ile). This variant is present in population databases (rs768778197, gnomAD 0.008%). This variant has not been reported in the literature in individuals affected with PAFAH1B1-related conditions. An algorithm developed to predict the effect of missense changes on protein structure and function (PolyPhen-2) suggests that this variant is likely to be tolerated. In summary, the available evidence is currently insufficient to determine the role of this variant in disease. Therefore, it has been classified as a Variant of Uncertain Significance.

NM_000430.4(PAFAH1B1):c.1090G>A (p.Val364Ile)

Gene: PAFAH1B1 (platelet activating factor acetylhydrolase 1b regulatory subunit 1; plus strand). Cytogenetic location: 17p13.3.
Variant type: single nucleotide variant.
Coding change: c.1090G>A on transcript NM_000430.4 (MANE Select); coding-DNA position 1090, G replaced by A.
Protein change: p.Val364Ile; replaces valine 364 with isoleucine.
Molecular consequence: missense variant.
Genome position (GRCh38, 1-based): chr17:2,680,251, G>A. VCF-style: chr17-2680251-G-A. GRCh37 (hg19) VCF-style: chr17-2583545-G-A.
Other names: short protein forms V364I.
Identifiers: ClinVar variation 2887091 (VCV002887091.3), dbSNP rs768778197, ClinGen allele CA8283316.
Genomic context (GRCh38, chr17:2,680,251, plus strand): 5'-GTTCTGTTCCATTCTGGGGGGAAGTTTATTTTGAGTTGTGCTGATGACAAGACCCTACGC[G>A]TATGGGATTACAAGAACAAGCGATGCATGAAGACCCTCAATGCGCATGAACACTTTGTTA-3'
Protein context (NP_000421.1, residues 354-374): LSCADDKTLR[Val364Ile]WDYKNKRCMK